The following is an entry in ClinVar:

NM_032578.4(MYPN):c.650C>A (p.Ala217Glu)

Gene: MYPN (myopalladin; plus strand). Cytogenetic location: 10q21.3.
Variant type: single nucleotide variant.
Coding change: c.650C>A on transcript NM_032578.4 (MANE Select); coding-DNA position 650, C replaced by A.
Protein change: p.Ala217Glu; replaces alanine 217 with glutamic acid.
Molecular consequence: missense variant. On other transcripts: 5 prime UTR variant (1), non-coding transcript variant (1).
Genome position (GRCh38, 1-based): chr10:68,122,088, C>A. VCF-style: chr10-68122088-C-A. GRCh37 (hg19) VCF-style: chr10-69881845-C-A.
Other names: c.650C>A (LRG_410t1); c.650C>A, p.Ala217Glu (NM_001256267.2); c.-473C>A (NM_001256268.2); short protein forms A217E.
Identifiers: ClinVar variation 31813 (VCV000031813.5), dbSNP rs199476403, ClinGen allele CA215323.

ClinVar aggregate classification (germline): Uncertain significance. Review status: criteria provided, single submitter (1 of 4 stars). 3 submissions from 3 submitters: Uncertain significance (1). 2 of the submissions do not count toward it. Last evaluated 2022-06-10.

Conditions:
Dilated cardiomyopathy 1KK (CMD1KK). Identifiers: Orphanet 154, Orphanet 75249, MedGen C3714995, MONDO:0014100, OMIM 615248.

Allele frequency attached by ClinVar (database versions not stated): TOPMed 0.00001.
gnomAD v4.1: 3 of 1,614,136 alleles (0.00019%); highest among the groups gnomAD compares: Non-Finnish European, 0.00025%; no homozygotes.

Submissions (3):

Labcorp Genetics (formerly Invitae), Labcorp
Classification: Uncertain significance for Dilated cardiomyopathy 1KK. Last evaluated: 2022-06-10. Review status: criteria provided, single submitter. Criteria: Invitae Variant Classification Sherloc (09022015). Collection method: clinical testing. Allele origin: germline.
Comment: This sequence change replaces alanine, which is neutral and non-polar, with glutamic acid, which is acidic and polar, at codon 217 of the MYPN protein (p.Ala217Glu). This variant is present in population databases (rs199476403, gnomAD no frequency). This missense change has been observed in individual(s) with clinical features of MYPN-related conditions (PMID: 22286171). ClinVar contains an entry for this variant (Variation ID: 31813). Algorithms developed to predict the effect of missense changes on protein structure and function (SIFT, PolyPhen-2, Align-GVGD) all suggest that this variant is likely to be tolerated. In summary, the available evidence is currently insufficient to determine the role of this variant in disease. Therefore, it has been classified as a Variant of Uncertain Significance.

ClinVar Staff, National Center for Biotechnology Information (NCBI)
Classification: Uncertain significance for Dilated cardiomyopathy 1KK. Last evaluated: 2013-06-27. Review status: no assertion criteria provided. Collection method: literature only. Allele origin: germline. Affected: yes. Not counted in ClinVar's aggregate classification.

Leiden Muscular Dystrophy (MYPN)
No classification provided. Last evaluated: 2012-04-27. Review status: no classification provided. Collection method: curation. Allele origin: germline. Not counted in ClinVar's aggregate classification.

Literature cited by the submitters: PubMed 22286171 (cited by Labcorp Genetics (formerly Invitae), Labcorp and ClinVar Staff, National Center for Biotechnology Information (NCBI)).